The following is an entry in ClinVar:

ClinVar aggregate classification (germline): Uncertain significance (1 of 4 stars; one submission).

Submission:

GeneDx
Classification: Uncertain significance. Last evaluated: 2025-03-27. Review status: criteria provided, single submitter. Criteria: GeneDx Variant Classification Process June 2021. Collection method: clinical testing. Allele origin: germline. Affected: yes.
Comment: Not observed at significant frequency in large population cohorts (gnomAD); In silico analysis indicates that this missense variant does not alter protein structure/function; Has not been previously published as pathogenic or benign to our knowledge

NM_032188.3(KAT8):c.178A>G (p.Thr60Ala)

Gene: KAT8 (lysine acetyltransferase 8; plus strand). Cytogenetic location: 16p11.2.
Variant type: single nucleotide variant.
Coding change: c.178A>G on transcript NM_032188.3 (MANE Select); coding-DNA position 178, A replaced by G.
Protein change: p.Thr60Ala; replaces threonine 60 with alanine.
Molecular consequence: missense variant.
Genome position (GRCh38, 1-based): chr16:31,117,859, A>G. VCF-style: chr16-31117859-A-G. GRCh37 (hg19) VCF-style: chr16-31129180-A-G.
Other names: c.178A>G, p.Thr60Ala (NM_182958.4); short protein forms T60A.
Identifiers: ClinVar variation 4087914 (VCV004087914.1).